The following is an entry in ClinVar:

ClinVar aggregate classification (germline): Pathogenic (1 of 4 stars; one submission).

Conditions:
Familial cancer of breast. Also called: BREAST CANCER, FAMILIAL; Hereditary breast cancer; hereditary breast carcinoma. Identifiers: Orphanet 227535, MedGen C0346153, MONDO:0016419, OMIM 114480. Disease mechanism: loss of function.

Submission:

Myriad Genetics, Inc.
Classification: Pathogenic for Familial cancer of breast. Last evaluated: 2024-01-18. Review status: criteria provided, single submitter. Criteria: Myriad Autosomal Dominant, Autosomal Recessive and X-Linked Classification Criteria (2023). Collection method: clinical testing. Allele origin: unknown.
Comment: This variant is considered pathogenic. This variant creates a frameshift predicted to result in premature protein truncation.

NM_000051.4(ATM):c.2586del (p.Asp863fs)

Gene: ATM (ATM serine/threonine kinase; plus strand). Cytogenetic location: 11q22.3.
Variant type: Deletion.
Coding change: c.2586del on transcript NM_000051.4 (MANE Select); coding-DNA position 2586, one base deleted (T; older notation c.2586delT).
Protein change: p.Asp863fs; shifts the reading frame from aspartic acid 863.
Molecular consequence: frameshift variant.
Genome position (GRCh38, 1-based): chr11:108,267,290, T deleted. VCF-style (leftmost placement, unchanged base first): chr11-108267289-CT-C. GRCh37 (hg19) VCF-style: chr11-108138016-CT-C.
Other names: c.2586del, p.Asp863fs (NM_001351834.2); short protein forms D863fs.
Identifiers: ClinVar variation 3148614 (VCV003148614.1), dbSNP rs2497597158, ClinGen allele CA2825001808.